The following is an entry in ClinVar:

NM_000051.4(ATM):c.8119T>A (p.Ser2707Thr)

Genes: ATM (ATM serine/threonine kinase; plus strand), C11orf65 (chromosome 11 open reading frame 65; minus strand). Cytogenetic location: 11q22.3.
Variant type: single nucleotide variant.
Coding change: c.8119T>A on transcript NM_000051.4 (MANE Select); coding-DNA position 8119, T replaced by A.
Protein change: p.Ser2707Thr; replaces serine 2707 with threonine.
Molecular consequence: missense variant. On other transcripts: intron variant (2).
Genome position (GRCh38, 1-based): chr11:108,335,077, T>A. VCF-style: chr11-108335077-T-A. GRCh37 (hg19) VCF-style: chr11-108205804-T-A.
Other names: c.8119T>A, p.Ser2707Thr (NM_001351834.2); c.641-26006A>T (NM_001330368.2); c.*38+143A>T (NM_001351110.2); short protein forms S2707T.
Identifiers: ClinVar variation 524390 (VCV000524390.9), dbSNP rs1555127276, ClinGen allele CA382562157.

ClinVar aggregate classification (germline): Uncertain significance (1 of 4 stars; one submission).

Conditions:
Ataxia-telangiectasia syndrome (AT). Also called: Cerebello-oculocutaneous telangiectasia; Immunodeficiency with ataxia telangiectasia; Ataxia-telangiectasia, complementation group E; Ataxia-telangiectasia, complementation group D; AT, COMPLEMENTATION GROUP C; ATAXIA-TELANGIECTASIA, COMPLEMENTATION GROUP A. Identifiers: Orphanet 100, MedGen C0004135, MONDO:0008840, OMIM 208900.

Submission:

Labcorp Genetics (formerly Invitae), Labcorp
Classification: Uncertain significance for Ataxia-telangiectasia syndrome. Last evaluated: 2022-11-25. Review status: criteria provided, single submitter. Criteria: Invitae Variant Classification Sherloc (09022015). Collection method: clinical testing. Allele origin: germline.
Comment: This sequence change replaces serine, which is neutral and polar, with threonine, which is neutral and polar, at codon 2707 of the ATM protein (p.Ser2707Thr). This variant is not present in population databases (gnomAD no frequency). This variant has not been reported in the literature in individuals affected with ATM-related conditions. ClinVar contains an entry for this variant (Variation ID: 524390). Algorithms developed to predict the effect of missense changes on protein structure and function (SIFT, PolyPhen-2, Align-GVGD) all suggest that this variant is likely to be disruptive. In summary, the available evidence is currently insufficient to determine the role of this variant in disease. Therefore, it has been classified as a Variant of Uncertain Significance.